The following is an entry in ClinVar:

ClinVar aggregate classification (germline): Pathogenic/Likely pathogenic. Review status: criteria provided, multiple submitters, no conflicts (2 of 4 stars). 6 submissions from 6 submitters: Pathogenic (2); Likely pathogenic (4). Last evaluated 2025-12-08.

Conditions:
Hereditary cancer-predisposing syndrome. Also called: Hereditary Cancer Syndrome; Hereditary neoplastic syndrome; Tumor predisposition; Neoplastic Syndromes, Hereditary. Identifiers: Orphanet 140162, MedGen C0027672, MeSH D009386, MONDO:0015356.
Cardiovascular phenotype. Identifiers: MedGen CN230736.
Neurofibromatosis, type 1 (NF1). Also called: Peripheral type neurofibromatosis; Neurofibromatosis, type I; VON RECKLINGHAUSEN DISEASE; NEUROFIBROMATOSIS, TYPE I, SOMATIC. Identifiers: Orphanet 636, MedGen C0027831, MONDO:0018975, OMIM 162200. Disease mechanism: loss of function.

Submissions (6):

Ambry Genetics
Classification: Likely pathogenic for Cardiovascular phenotype; Hereditary cancer-predisposing syndrome. Last evaluated: 2025-12-08. Review status: criteria provided, single submitter. Criteria: Ambry Variant Classification Scheme 2023. Collection method: clinical testing. Allele origin: germline.
Comment: The c.288+5G>A intronic variant results from a G to A substitution 5 nucleotides after coding exon 3 in the NF1 gene. This variant was reported in individual(s) with features consistent with neurofibromatosis type 1 (NF1) (Cunha KS et al. Genes (Basel), 2016 Dec;7:; Corsello G et al. Ital J Pediatr, 2018 Apr;44:45; Ambry internal data). This nucleotide position is highly conserved in available vertebrate species. In silico splice site analysis predicts that this alteration will weaken the native splice donor site. This variant is considered to be rare based on population cohorts in the Genome Aggregation Database (gnomAD). Based on the majority of available evidence to date, this variant is likely to be pathogenic.

Labcorp Genetics (formerly Invitae), Labcorp
Classification: Pathogenic for Neurofibromatosis, type 1. Last evaluated: 2025-05-22. Review status: criteria provided, single submitter. Criteria: Invitae Variant Classification Sherloc (09022015). Collection method: clinical testing. Allele origin: germline.
Comment: This sequence change falls in intron 3 of the NF1 gene. It does not directly change the encoded amino acid sequence of the NF1 protein. It affects a nucleotide within the consensus splice site. This variant is not present in population databases (gnomAD no frequency). This variant has been observed in individuals with neurofibromatosis type 1 (PMID: 27999334, 29618358; internal data). Invitae Evidence Modeling of clinical and family history, age, sex, and reported ancestry of multiple individuals with this NF1 variant has been performed. This variant is expected to be pathogenic with a positive predictive value of at least 99%. This is a validated machine learning model that incorporates the clinical features of 1,785,918 individuals referred to our laboratory for NF1 testing. ClinVar contains an entry for this variant (Variation ID: 642764). Variants that disrupt the consensus splice site are a relatively common cause of aberrant splicing (PMID: 17576681, 9536098). Algorithms developed to predict the effect of sequence changes on RNA splicing suggest that this variant may disrupt the consensus splice site. This variant disrupts the c.288+5G nucleotide in the NF1 gene. Other variant(s) that disrupt this nucleotide have been determined to be pathogenic (PMID: 12624144, 22617876). This suggests that this nucleotide is clinically significant, and that variants that disrupt this position are likely to be disease-causing. For these reasons, this variant has been classified as Pathogenic.

GeneDx
Classification: Pathogenic. Last evaluated: 2025-03-24. Review status: criteria provided, single submitter. Criteria: GeneDx Variant Classification Process June 2021. Collection method: clinical testing. Allele origin: germline.
Comment: Identified in patients with neurofibromatosis type 1 in published literature (PMID: 27999334, 31766501, 29618358); Intronic +5 splice site variant in a gene for which loss of function is a known mechanism of disease, and both splice predictors and evolutionary conservation support a deleterious effect, although in the absence of functional evidence the actual effect of this sequence change is unknown.; Not observed at significant frequency in large population cohorts (gnomAD); This variant is associated with the following publications: (PMID: 22617876, 17576681, 12624144, 9536098, 31766501, 29618358, 27999334, 31776437)

Genome-Nilou Lab
Classification: Likely pathogenic for Neurofibromatosis, type 1. Last evaluated: 2022-03-15. Review status: criteria provided, single submitter. Criteria: ACMG Guidelines, 2015. Collection method: clinical testing. Allele origin: germline. Affected: no.

Quest Diagnostics Nichols Institute San Juan Capistrano
Classification: Likely pathogenic. Last evaluated: 2021-07-28. Review status: criteria provided, single submitter. Criteria: Quest Diagnostics criteria. Collection method: clinical testing. Allele origin: unknown.
Comment: This variant has been reported in individuals with Neurofibromatosis type 1 (NF1) in the published literature (PMIDs: 27999334 (2016) and 29618358 (2018)). A different variant located at the same nucleotide position (NF1 c.288+5G>C) has been shown to result in aberrant NF1 splicing and exon 3 skipping and reported to be deleterious (PMID: 12624144 (2003), 22617876 (20012), ClinVar). Therefore, the variant is classified as likely pathogenic.

Institute of Human Genetics, University of Leipzig Medical Center
Classification: Likely pathogenic for Neurofibromatosis, type 1. Last evaluated: 2019-01-31. Review status: criteria provided, single submitter. Criteria: ACMG Guidelines, 2015. Collection method: clinical testing. Allele origin: germline. Affected: yes. Observed: 1 variant allele.

Literature cited by the submitters: PubMed 27999334 (cited by 3 submitters); PubMed 29618358 (cited by 3 submitters); PubMed 17576681 (cited by Labcorp Genetics (formerly Invitae), Labcorp); PubMed 9536098 (cited by Labcorp Genetics (formerly Invitae), Labcorp); PubMed 12624144 (cited by Labcorp Genetics (formerly Invitae), Labcorp); PubMed 22617876 (cited by Labcorp Genetics (formerly Invitae), Labcorp).

NM_001042492.3(NF1):c.288+5G>A

Gene: NF1 (neurofibromin 1; plus strand). Cytogenetic location: 17q11.2.
Variant type: single nucleotide variant.
Coding change: c.288+5G>A on transcript NM_001042492.3 (MANE Select); 5 bases into the intron after coding-DNA position 288, G replaced by A.
Molecular consequence: intron variant.
Genome position (GRCh38, 1-based): chr17:31,159,098, G>A. VCF-style: chr17-31159098-G-A. GRCh37 (hg19) VCF-style: chr17-29486116-G-A.
Other names: c.288+5G>A (NM_000267.4, NM_001128147.3).
Identifiers: ClinVar variation 642764 (VCV000642764.14), dbSNP rs1555605409, ClinGen allele CA915949705.
Genomic context (GRCh38, chr17:31,159,098, plus strand): 5'-ATTTATATCTCTCTCAGTTGATTATATTGGATACACTGGAAAAATGTCTTGCTGGGGTAA[G>A]TAAATTGATCTTAAGTAGGCAGGCTTTGTGAATTTGATCTTGAGAATGATCTTATGTCCC-3'